The following is an entry in ClinVar:

ClinVar aggregate classification (germline): Uncertain significance (1 of 4 stars; one submission).

Conditions:
Muscle AMP deaminase deficiency (MMDD). Also called: Adenosine monophosphate deaminase 1 deficiency; AMP deaminase 1 deficiency; Adenosine Monophosphate Deaminase 1; Myoadenylate deaminase deficiency, myopathy due to; ADENOSINE MONOPHOSPHATE DEAMINASE-1 DEFICIENCY, MYOPATHY DUE TO; AMPD1 DEFICIENCY. Identifiers: Orphanet 45, MedGen C3714933, MONDO:0014220, OMIM 615511.

Submission:

Labcorp Genetics (formerly Invitae), Labcorp
Classification: Uncertain significance for Muscle AMP deaminase deficiency. Last evaluated: 2022-07-09. Review status: criteria provided, single submitter. Criteria: Invitae Variant Classification Sherloc (09022015). Collection method: clinical testing. Allele origin: germline.
Comment: This sequence change replaces valine, which is neutral and non-polar, with leucine, which is neutral and non-polar, at codon 731 of the AMPD1 protein (p.Val731Leu). This variant is not present in population databases (gnomAD no frequency). This variant has not been reported in the literature in individuals affected with AMPD1-related conditions. Algorithms developed to predict the effect of missense changes on protein structure and function (SIFT, PolyPhen-2, Align-GVGD) all suggest that this variant is likely to be tolerated. In summary, the available evidence is currently insufficient to determine the role of this variant in disease. Therefore, it has been classified as a Variant of Uncertain Significance.

NM_000036.3(AMPD1):c.2092G>C (p.Val698Leu)

Gene: AMPD1 (adenosine monophosphate deaminase 1; minus strand). Cytogenetic location: 1p13.2.
Variant type: single nucleotide variant.
Coding change: c.2092G>C on transcript NM_000036.3 (MANE Select); coding-DNA position 2092, G replaced by C.
Protein change: p.Val698Leu; replaces valine 698 with leucine.
Molecular consequence: missense variant.
Genome position (GRCh38, 1-based): chr1:114,673,266, C>G on the plus strand (G>C on the coding strand, the complement: AMPD1 is on the minus strand). VCF-style: chr1-114673266-C-G. GRCh37 (hg19) VCF-style: chr1-115215887-C-G.
Other names: c.2080G>C, p.Val694Leu (NM_001172626.2); short protein forms V698L, V694L.
Identifiers: ClinVar variation 2015525 (VCV002015525.4), dbSNP rs1362769566, ClinGen allele CA341742803.